The following is an entry in ClinVar:

ClinVar aggregate classification (germline): Uncertain significance (1 of 4 stars; one submission).

Submission:

Labcorp Genetics (formerly Invitae), Labcorp
Classification: Uncertain significance. Last evaluated: 2023-04-03. Review status: criteria provided, single submitter. Criteria: Invitae Variant Classification Sherloc (09022015). Collection method: clinical testing. Allele origin: germline.
Comment: In summary, the available evidence is currently insufficient to determine the role of this variant in disease. Therefore, it has been classified as a Variant of Uncertain Significance. An algorithm developed to predict the effect of missense changes on protein structure and function (PolyPhen-2) suggests that this variant is likely to be disruptive. This variant has not been reported in the literature in individuals affected with DIP2C-related conditions. This variant is not present in population databases (gnomAD no frequency). This sequence change replaces glutamic acid, which is acidic and polar, with glycine, which is neutral and non-polar, at codon 298 of the DIP2C protein (p.Glu298Gly).

NM_014974.3(DIP2C):c.893A>G (p.Glu298Gly)

Gene: DIP2C (DIP2 acetate--CoA ligase C (putative); minus strand). Cytogenetic location: 10p15.3.
Variant type: single nucleotide variant.
Coding change: c.893A>G on transcript NM_014974.3 (MANE Select); coding-DNA position 893, A replaced by G.
Protein change: p.Glu298Gly; replaces glutamic acid 298 with glycine.
Molecular consequence: missense variant.
Genome position (GRCh38, 1-based): chr10:414,077, T>C on the plus strand (A>G on the coding strand, the complement: DIP2C is on the minus strand). VCF-style: chr10-414077-T-C. GRCh37 (hg19) VCF-style: chr10-460017-T-C.
Other names: short protein forms E298G.
Identifiers: ClinVar variation 2790768 (VCV002790768.3), dbSNP rs2540885767, ClinGen allele CA375832189.